The following is an entry in ClinVar:

NM_019616.4(F7):c.94G>A (p.Val32Ile)

Gene: F7 (coagulation factor VII; plus strand). Cytogenetic location: 13q34.
Variant type: single nucleotide variant.
Coding change: c.94G>A on transcript NM_019616.4 (MANE Select); coding-DNA position 94, G replaced by A.
Protein change: p.Val32Ile; replaces valine 32 with isoleucine.
Molecular consequence: missense variant. On other transcripts: non-coding transcript variant (1), intron variant (1).
Genome position (GRCh38, 1-based): chr13:113,110,719, G>A. VCF-style: chr13-113110719-G-A. GRCh37 (hg19) VCF-style: chr13-113765033-G-A.
Other names: c.160G>A, p.Val54Ile (NM_000131.5); c.65-3128G>A (NM_001267554.2); short protein forms V32I, V54I.
Identifiers: ClinVar variation 4688519 (VCV004688519.1).

ClinVar aggregate classification (germline): Uncertain significance (1 of 4 stars; one submission).

Submission:

Women's Health and Genetics/Laboratory Corporation of America, LabCorp
Classification: Uncertain significance. Last evaluated: 2025-12-05. Review status: criteria provided, single submitter. Criteria: LabCorp Variant Classification Summary - May 2015. Collection method: clinical testing. Allele origin: germline.
Comment: Variant summary: F7 c.160G>A (p.Val54Ile) results in a conservative amino acid change in the encoded protein sequence. Algorithms developed to predict the effect of missense changes on protein structure and function all suggest that this variant is likely to be tolerated. The variant was absent in 153042 control chromosomes (gnomAD). The available data on variant occurrences in the general population are insufficient to allow any conclusion about variant significance. c.160G>A has been observed in an individual affected with Congenital factor VII deficiency (Hermann_2009). These data do not allow any conclusion about variant significance. To our knowledge, no experimental evidence demonstrating an impact on protein function has been reported. The following publication has been ascertained in the context of this evaluation (PMID: 18976247). No submitters have cited clinical-significance assessments for this variant to ClinVar. Based on the evidence outlined above, the variant was classified as uncertain significance.

Literature cited by the submitters: PubMed 18976247.